The following is an entry in ClinVar:

NM_018943.3(TUBA8):c.615C>A (p.Asp205Glu)

Gene: TUBA8 (tubulin alpha 8; plus strand). Cytogenetic location: 22q11.21.
Variant type: single nucleotide variant.
Coding change: c.615C>A on transcript NM_018943.3 (MANE Select); coding-DNA position 615, C replaced by A.
Protein change: p.Asp205Glu; replaces aspartic acid 205 with glutamic acid.
Molecular consequence: missense variant.
Genome position (GRCh38, 1-based): chr22:18,126,593, C>A. VCF-style: chr22-18126593-C-A. GRCh37 (hg19) VCF-style: chr22-18609360-C-A.
Other names: c.417C>A, p.Asp139Glu (NM_001193414.2); short protein forms D139E, D205E.
Identifiers: ClinVar variation 2780782 (VCV002780782.3), dbSNP rs2517708729, ClinGen allele CA410263355.

ClinVar aggregate classification (germline): Uncertain significance (1 of 4 stars; one submission).

Submission:

Labcorp Genetics (formerly Invitae), Labcorp
Classification: Uncertain significance. Last evaluated: 2023-11-27. Review status: criteria provided, single submitter. Criteria: Invitae Variant Classification Sherloc (09022015). Collection method: clinical testing. Allele origin: germline.
Comment: This sequence change replaces aspartic acid, which is acidic and polar, with glutamic acid, which is acidic and polar, at codon 205 of the TUBA8 protein (p.Asp205Glu). This variant is not present in population databases (gnomAD no frequency). This variant has not been reported in the literature in individuals affected with TUBA8-related conditions. Advanced modeling of protein sequence and biophysical properties (such as structural, functional, and spatial information, amino acid conservation, physicochemical variation, residue mobility, and thermodynamic stability) performed at Invitae indicates that this missense variant is expected to disrupt TUBA8 protein function with a positive predictive value of 80%. In summary, the available evidence is currently insufficient to determine the role of this variant in disease. Therefore, it has been classified as a Variant of Uncertain Significance.